The following is an entry in ClinVar:

NM_015046.7(SETX):c.592A>G (p.Lys198Glu)

Gene: SETX (senataxin; minus strand). Cytogenetic location: 9q34.13.
Variant type: single nucleotide variant.
Coding change: c.592A>G on transcript NM_015046.7 (MANE Select); coding-DNA position 592, A replaced by G.
Protein change: p.Lys198Glu; replaces lysine 198 with glutamic acid.
Molecular consequence: missense variant.
Genome position (GRCh38, 1-based): chr9:132,336,422, T>C on the plus strand (A>G on the coding strand, the complement: SETX is on the minus strand). VCF-style: chr9-132336422-T-C. GRCh37 (hg19) VCF-style: chr9-135211809-T-C.
Other names: c.592A>G, p.Lys198Glu (NM_001351527.2, NM_001351528.2); short protein forms K198E.
Identifiers: ClinVar variation 1715447 (VCV001715447.6), dbSNP rs2539180284, ClinGen allele CA375349628.

ClinVar aggregate classification (germline): Uncertain significance (1 of 4 stars; one submission).

Conditions:
Amyotrophic lateral sclerosis type 4 (ALS4). Also called: AMYOTROPHIC LATERAL SCLEROSIS 4, JUVENILE; NEURONOPATHY, DISTAL HEREDITARY MOTOR, WITH PYRAMIDAL FEATURES. Identifiers: Orphanet 357043, MedGen C1865409, MONDO:0011223, OMIM 602433.
Spinocerebellar ataxia, autosomal recessive, with axonal neuropathy 2 (SCAN2). Also called: Ataxia-ocular apraxia-2; Ataxia with Oculomotor Apraxia; ATAXIA-OCULOMOTOR APRAXIA 2; Ataxia with Oculomotor Apraxia Type 2. Identifiers: Orphanet 64753, MedGen C1853761, MONDO:0018996, OMIM 606002.

Submission:

Labcorp Genetics (formerly Invitae), Labcorp
Classification: Uncertain significance for Amyotrophic lateral sclerosis type 4; Spinocerebellar ataxia, autosomal recessive, with axonal neuropathy 2. Last evaluated: 2022-08-07. Review status: criteria provided, single submitter. Criteria: Invitae Variant Classification Sherloc (09022015). Collection method: clinical testing. Allele origin: germline.
Comment: Advanced modeling of protein sequence and biophysical properties (such as structural, functional, and spatial information, amino acid conservation, physicochemical variation, residue mobility, and thermodynamic stability) performed at Invitae indicates that this missense variant is not expected to disrupt SETX protein function. This variant has not been reported in the literature in individuals affected with SETX-related conditions. This variant is not present in population databases (gnomAD no frequency). This sequence change replaces lysine, which is basic and polar, with glutamic acid, which is acidic and polar, at codon 198 of the SETX protein (p.Lys198Glu). In summary, the available evidence is currently insufficient to determine the role of this variant in disease. Therefore, it has been classified as a Variant of Uncertain Significance.